The following is an entry in ClinVar:

NM_031308.4(EPPK1):c.5035C>T (p.Arg1679Cys)

Gene: EPPK1 (epiplakin 1; minus strand). Cytogenetic location: 8q24.3.
Variant type: single nucleotide variant.
Coding change: c.5035C>T on transcript NM_031308.4 (MANE Select); coding-DNA position 5035, C replaced by T.
Protein change: p.Arg1679Cys; replaces arginine 1679 with cysteine.
Molecular consequence: missense variant.
Genome position (GRCh38, 1-based): chr8:143,868,219, G>A on the plus strand (C>T on the coding strand, the complement: EPPK1 is on the minus strand). VCF-style: chr8-143868219-G-A. GRCh37 (hg19) VCF-style: chr8-144942387-G-A.
Other names: short protein forms R1679C.
Identifiers: ClinVar variation 3052344 (VCV003052344.2), dbSNP rs199598193, ClinGen allele CA4922288.
Genomic context (GRCh38, chr8:143,868,219, plus strand): 5'-CGCGGTGGCTGTGCACGGGGTCGATGATGCCGCCCGTGGCGATCTGGGCCTCCAGCAGGC[G>A]GATGCCGTGCTCCCGGACGATGAGGTCCTTCTGCATGGCCTGGAAGAGGGAGATCTGCTG-3'
Protein context (NP_112598.3, residues 1669-1689): KDLIVREHGI[Arg1679Cys]LLEAQIATGG

ClinVar aggregate classification (germline): Likely benign (0 of 4 stars; one submission).

Conditions:
EPPK1-related disorder. Also called: EPPK1-related condition.

Allele frequency attached by ClinVar (database versions not stated): 1000 Genomes Project 30x 0.00094; 1000 Genomes Project 0.00100; ExAC 0.00190; TOPMed 0.00202; gnomAD 0.00208; ESP Exome Variant Server 0.00227; gnomAD exomes 0.00337.

Submission:

PreventionGenetics, part of Exact Sciences
Classification: Likely benign for EPPK1-related condition. Last evaluated: 2023-05-16. Review status: no assertion criteria provided. Collection method: clinical testing. Allele origin: germline.
Comment: This variant is classified as likely benign based on ACMG/AMP sequence variant interpretation guidelines (Richards et al. 2015 PMID: 25741868, with internal and published modifications).